The following is an entry in ClinVar:

ClinVar aggregate classification (germline): Uncertain significance (1 of 4 stars; one submission).

gnomAD v4.1: 3 of 1,558,964 alleles (0.00019%); highest among the groups gnomAD compares: Non-Finnish European, 0.00026%; no homozygotes.

Submission:

Labcorp Genetics (formerly Invitae), Labcorp
Classification: Uncertain significance. Last evaluated: 2021-10-14. Review status: criteria provided, single submitter. Criteria: Invitae Variant Classification Sherloc (09022015). Collection method: clinical testing. Allele origin: germline.
Comment: This sequence change affects codon 582 of the CDH23 mRNA. It is a 'silent' change, meaning that it does not change the encoded amino acid sequence of the CDH23 protein. This variant is not present in population databases (ExAC no frequency). This variant has not been reported in the literature in individuals affected with CDH23-related conditions. Algorithms developed to predict the effect of sequence changes on RNA splicing suggest that this variant may create or strengthen a splice site. In summary, the available evidence is currently insufficient to determine the role of this variant in disease. Therefore, it has been classified as a Variant of Uncertain Significance.

NM_022124.6(CDH23):c.1744C>A (p.Arg582=)

Gene: CDH23 (cadherin related 23; plus strand). Cytogenetic location: 10q22.1.
Variant type: single nucleotide variant.
Coding change: c.1744C>A on transcript NM_022124.6 (MANE Select); coding-DNA position 1744, C replaced by A.
Protein change: p.Arg582=; no amino-acid change (arginine 582 retained).
Molecular consequence: synonymous variant.
Genome position (GRCh38, 1-based): chr10:71,677,685, C>A. VCF-style: chr10-71677685-C-A. GRCh37 (hg19) VCF-style: chr10-73437442-C-A.
Other names: c.1744C>A, p.Arg582= (NM_001171930.2, NM_001171931.2).
Identifiers: ClinVar variation 1466881 (VCV001466881.5), dbSNP rs780571524, ClinGen allele CA470283537.
Genomic context (GRCh38, chr10:71,677,685, plus strand): 5'-CAGAAGGATGCCTACGTGGGTGCTCTGCGGGAGAACGAGCCTTCTGTCACACAGCTGGTG[C>A]GGCTCCGGGTAAGGTGCCAGGGAGCCCTGCACTCCTGCCATTTATCTTAGCCTTCTCCCT-3'
Protein context (NP_071407.4, residues 572-592): ENEPSVTQLV[Arg582=]LRATDEDSPP